The following is an entry in ClinVar:

ClinVar aggregate classification (germline): Uncertain significance (1 of 4 stars; one submission).

Conditions:
Catecholaminergic polymorphic ventricular tachycardia 1. Also called: VENTRICULAR TACHYCARDIA, STRESS-INDUCED POLYMORPHIC 1; VENTRICULAR TACHYCARDIA, CATECHOLAMINERGIC POLYMORPHIC, 1, WITH OR WITHOUT ATRIAL DYSFUNCTION AND/OR DILATED CARDIOMYOPATHY; RYR2-Related Catecholaminergic Polymorphic Ventricular Tachycardia. Identifiers: Orphanet 3286, MedGen C1631597, MONDO:0011484, OMIM 604772.

Submission:

Labcorp Genetics (formerly Invitae), Labcorp
Classification: Uncertain significance for Catecholaminergic polymorphic ventricular tachycardia 1. Last evaluated: 2018-04-06. Review status: criteria provided, single submitter. Criteria: Invitae Variant Classification Sherloc (09022015). Collection method: clinical testing. Allele origin: germline.
Comment: In summary, the available evidence is currently insufficient to determine the role of this variant in disease. Therefore, it has been classified as a Variant of Uncertain Significance. Algorithms developed to predict the effect of missense changes on protein structure and function (SIFT, PolyPhen-2, Align-GVGD) all suggest that this variant is likely to be tolerated, but these predictions have not been confirmed by published functional studies and their clinical significance is uncertain. This variant has not been reported in the literature in individuals with CASQ2-related disease. ClinVar contains an entry for this variant (Variation ID: 463663). This variant is not present in population databases (ExAC no frequency). This sequence change replaces arginine with leucine at codon 253 of the CASQ2 protein (p.Arg253Leu). The arginine residue is moderately conserved and there is a moderate physicochemical difference between arginine and leucine.

NM_001232.4(CASQ2):c.758G>T (p.Arg253Leu)

Gene: CASQ2 (calsequestrin 2; minus strand). Cytogenetic location: 1p13.1.
Variant type: single nucleotide variant.
Coding change: c.758G>T on transcript NM_001232.4 (MANE Select); coding-DNA position 758, G replaced by T.
Protein change: p.Arg253Leu; replaces arginine 253 with leucine.
Molecular consequence: missense variant.
Genome position (GRCh38, 1-based): chr1:115,725,533, C>A on the plus strand (G>T on the coding strand, the complement: CASQ2 is on the minus strand). VCF-style: chr1-115725533-C-A. GRCh37 (hg19) VCF-style: chr1-116268154-C-A.
Other names: short protein forms R253L.
Identifiers: ClinVar variation 463663 (VCV000463663.10), dbSNP rs199571249, ClinGen allele CA341768566.